The following is an entry in ClinVar:

NM_000748.3(CHRNB2):c.1319G>A (p.Ser440Asn)

Gene: CHRNB2 (cholinergic receptor nicotinic beta 2 subunit; plus strand). Cytogenetic location: 1q21.3.
Variant type: single nucleotide variant.
Coding change: c.1319G>A on transcript NM_000748.3 (MANE Select); coding-DNA position 1319, G replaced by A.
Protein change: p.Ser440Asn; replaces serine 440 with asparagine.
Molecular consequence: missense variant.
Genome position (GRCh38, 1-based): chr1:154,572,142, G>A. VCF-style: chr1-154572142-G-A. GRCh37 (hg19) VCF-style: chr1-154544618-G-A.
Other names: short protein forms S440N.
Identifiers: ClinVar variation 578261 (VCV000578261.10), dbSNP rs1187024375, ClinGen allele CA342631924.

ClinVar aggregate classification (germline): Uncertain significance. Review status: criteria provided, multiple submitters, no conflicts (2 of 4 stars). 2 submissions from 2 submitters: Uncertain significance (2). Last evaluated 2024-02-17.

Conditions:
Familial sleep-related hypermotor epilepsy. Also called: Autosomal Dominant Sleep-Related Hypermotor (Hyperkinetic) Epilepsy. Identifiers: Orphanet 98784, MedGen C3696898, MONDO:0000030.
Autosomal dominant nocturnal frontal lobe epilepsy 3. Also called: CHRNB2-Related Nocturnal Frontal Lobe Epilepsy, Autosomal Dominant. Identifiers: Orphanet 98784, MedGen C1854335, MONDO:0011545, OMIM 605375.

Allele frequency attached by ClinVar (database versions not stated): gnomAD exomes 0.00001 and below 0.00001.
gnomAD v4.1: 2 of 1,537,812 alleles (0.00013%); highest among the groups gnomAD compares: Admixed American, 0.002%; no homozygotes.

Submissions (2):

Labcorp Genetics (formerly Invitae), Labcorp
Classification: Uncertain significance. Last evaluated: 2024-02-17. Review status: criteria provided, single submitter. Criteria: Invitae Variant Classification Sherloc (09022015). Collection method: clinical testing. Allele origin: germline.
Comment: This sequence change replaces serine, which is neutral and polar, with asparagine, which is neutral and polar, at codon 440 of the CHRNB2 protein (p.Ser440Asn). The frequency data for this variant in the population databases is considered unreliable, as metrics indicate poor data quality at this position in the gnomAD database. This variant has not been reported in the literature in individuals affected with CHRNB2-related conditions. ClinVar contains an entry for this variant (Variation ID: 578261). Advanced modeling of protein sequence and biophysical properties (such as structural, functional, and spatial information, amino acid conservation, physicochemical variation, residue mobility, and thermodynamic stability) performed at Invitae indicates that this missense variant is not expected to disrupt CHRNB2 protein function with a negative predictive value of 80%. In summary, the available evidence is currently insufficient to determine the role of this variant in disease. Therefore, it has been classified as a Variant of Uncertain Significance.

Institute of Human Genetics, University of Leipzig Medical Center
Classification: Uncertain significance for Autosomal dominant nocturnal frontal lobe epilepsy 3. Last evaluated: 2021-07-14. Review status: criteria provided, single submitter. Criteria: ACMG Guidelines, 2015. Collection method: clinical testing. Allele origin: unknown. Affected: yes.